The following is an entry in ClinVar:

ClinVar aggregate classification (germline): Uncertain significance (1 of 4 stars; one submission).

Conditions:
Hepatic methionine adenosyltransferase deficiency. Also called: MAT I/III DEFICIENCY; Deficiency of methionine adenosyltransferase; Isolated Persistent Hypermethioninemia; Methionine adenosyltransferase deficiency. Identifiers: Orphanet 168598, MedGen C0268621, MeSH C564683, MONDO:0009607, OMIM 250850.

gnomAD v4.1: 2 of 1,610,432 alleles (0.00012%); highest among the groups gnomAD compares: Non-Finnish European, 0.00017%; no homozygotes.

Submission:

Labcorp Genetics (formerly Invitae), Labcorp
Classification: Uncertain significance for Hepatic methionine adenosyltransferase deficiency. Last evaluated: 2024-11-28. Review status: criteria provided, single submitter. Criteria: Invitae Variant Classification Sherloc (09022015). Collection method: clinical testing. Allele origin: germline.
Comment: This sequence change replaces valine, which is neutral and non-polar, with leucine, which is neutral and non-polar, at codon 184 of the MAT1A protein (p.Val184Leu). This variant is not present in population databases (gnomAD no frequency). This variant has not been reported in the literature in individuals affected with MAT1A-related conditions. An algorithm developed to predict the effect of missense changes on protein structure and function (PolyPhen-2) suggests that this variant is likely to be tolerated. Algorithms developed to predict the effect of sequence changes on RNA splicing suggest that this variant may create or strengthen a splice site. In summary, the available evidence is currently insufficient to determine the role of this variant in disease. Therefore, it has been classified as a Variant of Uncertain Significance.

NM_000429.3(MAT1A):c.550G>C (p.Val184Leu)

Gene: MAT1A (methionine adenosyltransferase 1A; minus strand). Cytogenetic location: 10q22.3.
Variant type: single nucleotide variant.
Coding change: c.550G>C on transcript NM_000429.3 (MANE Select); coding-DNA position 550, G replaced by C.
Protein change: p.Val184Leu; replaces valine 184 with leucine.
Molecular consequence: missense variant.
Genome position (GRCh38, 1-based): chr10:80,276,594, C>G on the plus strand (G>C on the coding strand, the complement: MAT1A is on the minus strand). VCF-style: chr10-80276594-C-G. GRCh37 (hg19) VCF-style: chr10-82036350-C-G.
Other names: short protein forms V184L.
Identifiers: ClinVar variation 3603438 (VCV003603438.2).
Genomic context (GRCh38, chr10:80,276,594, plus strand): 5'-CGATGGTGTGGATGCGCACAGGGATGACTGCGCCATTGTCCTGCATGTACTGAACTGTCA[C>G]CTGTCCATCAGAAGGGTGGGGGAGATACTGTGAGGCTGAGGCTGAGCGAACGGCACATCG-3'
Protein context (NP_000420.1, residues 174-194): PWLRPDSKTQ[Val184Leu]TVQYMQDNGA